The following is an entry in ClinVar:

ClinVar aggregate classification (germline): Benign (1 of 4 stars; one submission).

Conditions:
Familial cancer of breast. Also called: Hereditary breast cancer; BREAST CANCER, FAMILIAL; hereditary breast carcinoma. Identifiers: Orphanet 227535, MedGen C0346153, MONDO:0016419, OMIM 114480. Disease mechanism: loss of function.

Submission:

Myriad Genetics, Inc.
Classification: Benign for Familial cancer of breast. Last evaluated: 2024-10-01. Review status: criteria provided, single submitter. Criteria: Myriad Autosomal Dominant, Autosomal Recessive and X-Linked Classification Criteria (2023). Collection method: clinical testing. Allele origin: unknown.
Comment: This variant is considered benign. This variant is a silent/synonymous amino acid change and it is not expected to impact splicing.

NM_007194.4(CHEK2):c.171T>G (p.Ser57=)

Gene: CHEK2 (checkpoint kinase 2; minus strand). Cytogenetic location: 22q12.1.
Variant type: single nucleotide variant.
Coding change: c.171T>G on transcript NM_007194.4 (MANE Select); coding-DNA position 171, T replaced by G.
Protein change: p.Ser57=; no amino-acid change (serine 57 retained).
Molecular consequence: synonymous variant.
Genome position (GRCh38, 1-based): chr22:28,734,551, A>C on the plus strand (T>G on the coding strand, the complement: CHEK2 is on the minus strand). VCF-style: chr22-28734551-A-C. GRCh37 (hg19) VCF-style: chr22-29130539-A-C.
Other names: c.171T>G, p.Ser57= (NM_001005735.3, NM_001349956.3, NM_145862.3); c.-607T>G (NM_001257387.3).
Identifiers: ClinVar variation 3772867 (VCV003772867.1).